The following is an entry in ClinVar:

NM_000400.4(ERCC2):c.1627C>G (p.Gln543Glu)

Gene: ERCC2 (ERCC excision repair 2, TFIIH core complex helicase subunit; minus strand). Cytogenetic location: 19q13.32.
Variant type: single nucleotide variant.
Coding change: c.1627C>G on transcript NM_000400.4 (MANE Select); coding-DNA position 1627, C replaced by G.
Protein change: p.Gln543Glu; replaces glutamine 543 with glutamic acid.
Molecular consequence: missense variant.
Genome position (GRCh38, 1-based): chr19:45,354,768, G>C on the plus strand (C>G on the coding strand, the complement: ERCC2 is on the minus strand). VCF-style: chr19-45354768-G-C. GRCh37 (hg19) VCF-style: chr19-45858026-G-C.
Other names: short protein forms Q543E.
Identifiers: ClinVar variation 3509854 (VCV003509854.1).
Genomic context (GRCh38, chr19:45,354,768, plus strand): 5'-GGGAGGGGGTGGCCAGGCGTACCTGCTCATACCAGGAGGCCACGGTGCTCTCCATGTACT[G>C]GTAGCTGGTGAAGAAGGCCACGATGCCATCAGGGACCACAGCGGACATCTCCAGCAGGAG-3'
Protein context (NP_000391.1, residues 533-553): DGIVAFFTSY[Gln543Glu]YMESTVASWY

ClinVar aggregate classification (germline): Uncertain significance (1 of 4 stars; one submission).

Conditions:
Inborn genetic diseases. Identifiers: MedGen C0950123, MeSH D030342.

Submission:

Ambry Genetics
Classification: Uncertain significance for Inborn genetic diseases. Last evaluated: 2024-08-26. Review status: criteria provided, single submitter. Criteria: Ambry Variant Classification Scheme 2023. Collection method: clinical testing. Allele origin: germline.
Comment: The p.Q543E variant (also known as c.1627C>G), located in coding exon 17 of the ERCC2 gene, results from a C to G substitution at nucleotide position 1627. The glutamine at codon 543 is replaced by glutamic acid, an amino acid with highly similar properties. This amino acid position is conserved. In addition, the in silico prediction for this alteration is inconclusive. Based on the available evidence, the clinical significance of this variant remains unclear.